The following is an entry in ClinVar:

ClinVar aggregate classification (germline): Uncertain significance (1 of 4 stars; one submission).

Submission:

Ambry Genetics
Classification: Uncertain significance. Last evaluated: 2024-12-13. Review status: criteria provided, single submitter. Criteria: Ambry Variant Classification Scheme 2023. Collection method: clinical testing. Allele origin: germline.
Comment: The p.G25S variant (also known as c.73G>A), located in coding exon 1 of the PKP4 gene, results from a G to A substitution at nucleotide position 73. The glycine at codon 25 is replaced by serine, an amino acid with similar properties. This amino acid position is conserved. In addition, this alteration is predicted to be tolerated by in silico analysis. Based on the available evidence, the clinical significance of this variant remains unclear.

NM_003628.6(PKP4):c.73G>A (p.Gly25Ser)

Gene: PKP4 (plakophilin 4; plus strand). Cytogenetic location: 2q24.1.
Variant type: single nucleotide variant.
Coding change: c.73G>A on transcript NM_003628.6 (MANE Select); coding-DNA position 73, G replaced by A.
Protein change: p.Gly25Ser; replaces glycine 25 with serine.
Molecular consequence: missense variant. On other transcripts: 5 prime UTR variant (1).
Genome position (GRCh38, 1-based): chr2:158,533,257, G>A. VCF-style: chr2-158533257-G-A. GRCh37 (hg19) VCF-style: chr2-159389769-G-A.
Other names: c.73G>A, p.Gly25Ser (NM_001005476.4, NM_001304969.3, NM_001304971.2 and 9 more transcripts); c.-877G>A (NM_001304970.3); short protein forms G25S.
Identifiers: ClinVar variation 3889680 (VCV003889680.1).
Genomic context (GRCh38, chr2:158,533,257, plus strand): 5'-GAGCAGGCCTCATTGGTGGAGGAGGGGCAACCACAGACCCGCCAGGAAGCTGCCTCCACT[G>A]GCCCAGGCATGGAACCCGAGACCACAGCCACCACTATTCTAGCATCCGTGAAGGAGCAGG-3'
Protein context (NP_003619.2, residues 15-35): PQTRQEAAST[Gly25Ser]PGMEPETTAT